The following is an entry in ClinVar:

ClinVar aggregate classification (germline): Conflicting classifications of pathogenicity. Review status: criteria provided, conflicting classifications (1 of 4 stars). 2 submissions from 1 submitter: Uncertain significance (1); Likely benign (1). Last evaluated 2018-01-13.

Conditions:
Retinitis pigmentosa (RP). Identifiers: Orphanet 791, MedGen C0035334, MeSH D012174, MONDO:0019200, OMIM 268000. Inheritance: Autosomal dominant, autosomal recessive and X linked inheritance.
Cone-rod dystrophy 10 (CORD10). Identifiers: Orphanet 1872, MedGen C1846529, MONDO:0012464, OMIM 610283.

Allele frequency attached by ClinVar (database versions not stated): gnomAD 0.00019 and 0.00022; TOPMed 0.00022; gnomAD exomes 0.00036; 1000 Genomes Project 0.00040; 1000 Genomes Project 30x 0.00047.
gnomAD v4.1: 108 of 361,214 alleles (0.03%); highest among the groups gnomAD compares: South Asian, 0.1%; no homozygotes.

Submissions (2):

Illumina Laboratory Services, Illumina
Classification: Uncertain significance for Cone-rod dystrophy 10. Last evaluated: 2018-01-13. Review status: criteria provided, single submitter. Criteria: ICSL Variant Classification Criteria 13 December 2019. Collection method: clinical testing. Allele origin: germline.

Illumina Laboratory Services, Illumina
Classification: Likely benign for Retinitis pigmentosa. Last evaluated: 2018-01-13. Review status: criteria provided, single submitter. Criteria: ICSL Variant Classification Criteria 13 December 2019. Collection method: clinical testing. Allele origin: germline.
Comment: This variant was observed in the ICSL laboratory as part of a predisposition screen in an ostensibly healthy population. It had not been previously curated by ICSL or reported in the Human Gene Mutation Database (HGMD: prior to June 1st, 2018), and was therefore a candidate for classification through an automated scoring system. Utilizing variant allele frequency, disease prevalence and penetrance estimates, and inheritance mode, an automated score was calculated to assess if this variant is too frequent to cause the disease. Based on the score and internal cut-off values, a variant classified as likely benign is not then subjected to further curation. The score for this variant resulted in a classification of likely benign for this disease.

NM_022367.4(SEMA4A):c.*366G>A

Gene: SEMA4A (semaphorin 4A; plus strand). Cytogenetic location: 1q22.
Variant type: single nucleotide variant.
Coding change: c.*366G>A on transcript NM_022367.4 (MANE Select); 366 bases downstream of the stop codon, G replaced by A.
Molecular consequence: 3 prime UTR variant.
Genome position (GRCh38, 1-based): chr1:156,177,363, G>A. VCF-style: chr1-156177363-G-A. GRCh37 (hg19) VCF-style: chr1-156147154-G-A.
Other names: c.*366G>A (NM_001193300.2, NM_001193301.2, NM_001193302.2 and 4 more transcripts).
Identifiers: ClinVar variation 292865 (VCV000292865.6), dbSNP rs577699691, ClinGen allele CA10607831.